The following is an entry in ClinVar:

NM_003001.5(SDHC):c.220dup (p.Thr74fs)

Gene: SDHC (succinate dehydrogenase complex subunit C; plus strand). Cytogenetic location: 1q23.3.
Variant type: Duplication.
Coding change: c.220dup on transcript NM_003001.5 (MANE Select); coding-DNA position 220, one base duplicated (A; older notation c.220dupA).
Protein change: p.Thr74fs; shifts the reading frame from threonine 74.
Molecular consequence: frameshift variant.
Genome position (GRCh38, 1-based): chr1:161,340,634, A duplicated. VCF-style (leftmost placement, unchanged base first): chr1-161340633-C-CA. GRCh37 (hg19) VCF-style: chr1-161310423-C-CA.
Other names: c.220dup, p.Thr74Asnfs (NM_001035511.3); c.118dup, p.Thr40Asnfs (NM_001035512.3, NM_001278172.3, NM_001407118.1); c.61dup, p.Thr21Asnfs (NM_001035513.3); c.340dup, p.Thr114Asnfs (NM_001407115.1); c.163dup, p.Thr55Asnfs (NM_001407116.1, NM_001407117.1, NM_001407121.1); c.109dup, p.Thr37Asnfs (NM_001407119.1, NM_001407120.1); short protein forms T21fs, T74fs, T40fs.
Identifiers: ClinVar variation 2036254 (VCV002036254.4), dbSNP rs2526445197, ClinGen allele CA2580061334.
Genomic context (GRCh38, chr1:161,340,633, plus strand): 5'-TCTTTGTGTGTTTCTTTACAGTTGGTCTCTTCCCATGGCGATGTCCATCTGCCACCGTGG[C>CA]ACTGGTATTGCTTTGAGTGCAGGTATGTATATGTGTTTTTACACACACATATGTGCTTCT-3'

ClinVar aggregate classification (germline): Pathogenic (1 of 4 stars; one submission).

Conditions:
Pheochromocytoma/paraganglioma syndrome 3. Also called: GLOMUS TUMORS, FAMILIAL, 3; Paragangliomas 3; SDHC-Related Hereditary Paraganglioma-Pheochromocytoma Syndrome (Paragangliomas 3); SDHC-Related Hereditary Paraganglioma-Pheochromocytoma Syndrome. Identifiers: Orphanet 29072, MedGen C1854336, MONDO:0011544, OMIM 605373.
Gastrointestinal stromal tumor. Also called: Gastrointestinal stroma tumor; Gastrointestinal stromal tumor, somatic. Identifiers: Orphanet 44890, MedGen C0238198, MeSH D046152, MONDO:0011719, OMIM 606764, HP:0100723.

Submission:

Labcorp Genetics (formerly Invitae), Labcorp
Classification: Pathogenic for Pheochromocytoma/paraganglioma syndrome 3; Gastrointestinal stromal tumor. Last evaluated: 2022-10-20. Review status: criteria provided, single submitter. Criteria: Invitae Variant Classification Sherloc (09022015). Collection method: clinical testing. Allele origin: germline.
Comment: This sequence change creates a premature translational stop signal (p.Thr74Asnfs*24) in the SDHC gene. It is expected to result in an absent or disrupted protein product. Loss-of-function variants in SDHC are known to be pathogenic (PMID: 17667967, 19454582, 23282968, 24758179). This variant is not present in population databases (gnomAD no frequency). This variant has not been reported in the literature in individuals affected with SDHC-related conditions. For these reasons, this variant has been classified as Pathogenic.

Literature cited by the submitters: PubMed 17667967; PubMed 19454582; PubMed 23282968; PubMed 24758179.